The following is an entry in ClinVar:

NM_000038.6(APC):c.2789C>G (p.Thr930Arg)

Gene: APC (APC regulator of Wnt signaling pathway; plus strand). Cytogenetic location: 5q22.2.
Variant type: single nucleotide variant.
Coding change: c.2789C>G on transcript NM_000038.6 (MANE Select); coding-DNA position 2789, C replaced by G.
Protein change: p.Thr930Arg; replaces threonine 930 with arginine.
Molecular consequence: missense variant.
Genome position (GRCh38, 1-based): chr5:112,838,383, C>G. VCF-style: chr5-112838383-C-G. GRCh37 (hg19) VCF-style: chr5-112174080-C-G.
Other names: c.2789C>G, p.Thr930Arg (NM_001127510.3, NM_001354895.2); c.2735C>G, p.Thr912Arg (NM_001127511.3); c.2843C>G, p.Thr948Arg (NM_001354896.2); c.2819C>G, p.Thr940Arg (NM_001354897.2); c.2714C>G, p.Thr905Arg (NM_001354898.2); c.2705C>G, p.Thr902Arg (NM_001354899.2); c.2666C>G, p.Thr889Arg (NM_001354900.2); c.2612C>G, p.Thr871Arg (NM_001354901.2); and 5 more; short protein forms T647R, T905R, T770R, T829R, T839R, T889R, T902R, T871R.
Identifiers: ClinVar variation 821814 (VCV000821814.14), dbSNP rs1580627038, ClinGen allele CA16027414.
Genomic context (GRCh38, chr5:112,838,383, plus strand): 5'-CTGAATTACATTGTGTGACAGATGAGAGAAATGCACTTAGAAGAAGCTCTGCTGCCCATA[C>G]ACATTCAAACACTTACAATTTCACTAAGTCGGAAAATTCAAATAGGACATGTTCTATGCC-3'
Protein context (NP_000029.2, residues 920-940): NALRRSSAAH[Thr930Arg]HSNTYNFTKS

ClinVar aggregate classification (germline): Uncertain significance. Review status: criteria provided, multiple submitters, no conflicts (2 of 4 stars). 2 submissions from 2 submitters: Uncertain significance (2). Last evaluated 2024-03-01.

Conditions:
Familial adenomatous polyposis 1 (FAP1). Also called: FAMILIAL ADENOMATOUS POLYPOSIS 1, ATTENUATED; POLYPOSIS, ADENOMATOUS INTESTINAL. Identifiers: MedGen C2713442, MONDO:0021056, OMIM 175100. Disease mechanism: loss of function.
Hereditary cancer-predisposing syndrome. Also called: Tumor predisposition; Hereditary Cancer Syndrome; Neoplastic Syndromes, Hereditary; Hereditary neoplastic syndrome. Identifiers: Orphanet 140162, MedGen C0027672, MeSH D009386, MONDO:0015356.

Allele frequency attached by ClinVar (database versions not stated): gnomAD exomes below 0.00001.
gnomAD v4.1: 1 of 1,614,174 alleles (0.000062%); highest among the groups gnomAD compares: Non-Finnish European, 0.000085%; no homozygotes.

Submissions (2):

Labcorp Genetics (formerly Invitae), Labcorp
Classification: Uncertain significance for Familial adenomatous polyposis 1. Last evaluated: 2024-03-01. Review status: criteria provided, single submitter. Criteria: Invitae Variant Classification Sherloc (09022015). Collection method: clinical testing. Allele origin: germline.
Comment: This sequence change replaces threonine, which is neutral and polar, with arginine, which is basic and polar, at codon 930 of the APC protein (p.Thr930Arg). This variant is not present in population databases (gnomAD no frequency). This variant has not been reported in the literature in individuals affected with APC-related conditions. ClinVar contains an entry for this variant (Variation ID: 821814). Advanced modeling of protein sequence and biophysical properties (such as structural, functional, and spatial information, amino acid conservation, physicochemical variation, residue mobility, and thermodynamic stability) performed at Invitae indicates that this missense variant is not expected to disrupt APC protein function with a negative predictive value of 95%. In summary, the available evidence is currently insufficient to determine the role of this variant in disease. Therefore, it has been classified as a Variant of Uncertain Significance.

Ambry Genetics
Classification: Uncertain significance for Hereditary cancer-predisposing syndrome. Last evaluated: 2023-07-28. Review status: criteria provided, single submitter. Criteria: Ambry Variant Classification Scheme 2023. Collection method: clinical testing. Allele origin: germline.
Comment: The p.T930R variant (also known as c.2789C>G), located in coding exon 15 of the APC gene, results from a C to G substitution at nucleotide position 2789. The threonine at codon 930 is replaced by arginine, an amino acid with similar properties. This amino acid position is not well conserved in available vertebrate species. In addition, in silico predictors for this gene do not accurately predict pathogenicity. Since supporting evidence is limited at this time, the clinical significance of this alteration remains unclear.